The following is an entry in ClinVar:

NM_000159.4(GCDH):c.193A>C (p.Ile65Leu)

Genes: GCDH (glutaryl-CoA dehydrogenase; plus strand), LOC117125594 (CRISPRi-FlowFISH-validated KLF1 regulatory element; plus strand). Cytogenetic location: 19p13.13.
Variant type: single nucleotide variant.
Coding change: c.193A>C on transcript NM_000159.4 (MANE Select); coding-DNA position 193, A replaced by C.
Protein change: p.Ile65Leu; replaces isoleucine 65 with leucine.
Molecular consequence: missense variant. On other transcripts: non-coding transcript variant (2).
Genome position (GRCh38, 1-based): chr19:12,891,896, A>C. VCF-style: chr19-12891896-A-C. GRCh37 (hg19) VCF-style: chr19-13002710-A-C.
Other names: c.193A>C, p.Ile65Leu (NM_013976.5); short protein forms I65L.
Identifiers: ClinVar variation 1372552 (VCV001372552.5), dbSNP rs1275589130, ClinGen allele CA404315084.

ClinVar aggregate classification (germline): Uncertain significance (1 of 4 stars; one submission).

Conditions:
Glutaric aciduria, type 1. Also called: Glutaric Acidemia Type 1; Glutaryl-CoA dehydrogenase deficiency; GA I; Glutaric acidemia type I; Glutaricaciduria, type I; Glutaricacidemia Type 1. Identifiers: Orphanet 25, MedGen C0268595, MONDO:0009281, OMIM 231670.

gnomAD v4.1: 1 of 1,613,884 alleles (0.000062%); highest among the groups gnomAD compares: South Asian, 0.0011%; no homozygotes.

Submission:

Labcorp Genetics (formerly Invitae), Labcorp
Classification: Uncertain significance for Glutaric aciduria, type 1. Last evaluated: 2021-08-13. Review status: criteria provided, single submitter. Criteria: Invitae Variant Classification Sherloc (09022015). Collection method: clinical testing. Allele origin: germline.
Comment: This sequence change replaces isoleucine with leucine at codon 65 of the GCDH protein (p.Ile65Leu). The isoleucine residue is moderately conserved and there is a small physicochemical difference between isoleucine and leucine. This variant is not present in population databases (ExAC no frequency). This variant has not been reported in the literature in individuals affected with GCDH-related conditions. Advanced modeling of protein sequence and biophysical properties (such as structural, functional, and spatial information, amino acid conservation, physicochemical variation, residue mobility, and thermodynamic stability) performed at Invitae indicates that this missense variant is expected to disrupt GCDH protein function. In summary, the available evidence is currently insufficient to determine the role of this variant in disease. Therefore, it has been classified as a Variant of Uncertain Significance.